The following is an entry in ClinVar:

NM_001171613.2(PREPL):c.-29A>G

Gene: PREPL (prolyl endopeptidase like; minus strand). Cytogenetic location: 2p21.
Variant type: single nucleotide variant.
Coding change: c.-29A>G on transcript NM_001171613.2 (MANE Select); 29 bases upstream of the start codon, A replaced by G.
Molecular consequence: 5 prime UTR variant. On other transcripts: missense variant (7).
Genome position (GRCh38, 1-based): chr2:44,346,371, T>C on the plus strand (A>G on the coding strand, the complement: PREPL is on the minus strand). VCF-style: chr2-44346371-T-C. GRCh37 (hg19) VCF-style: chr2-44573510-T-C.
Other names: c.239A>G, p.Gln80Arg (NM_001042385.2, NM_001042386.2, NM_001171603.1 and 4 more transcripts); c.-29A>G (NM_001171617.1, NM_001374277.1); short protein forms Q80R.
Identifiers: ClinVar variation 2084481 (VCV002084481.3), dbSNP rs200115913, ClinGen allele CA1641681.

ClinVar aggregate classification (germline): Uncertain significance. Review status: criteria provided, multiple submitters, no conflicts (2 of 4 stars). 2 submissions from 2 submitters: Uncertain significance (2). Last evaluated 2023-03-27.

Conditions:
Inborn genetic diseases. Identifiers: MedGen C0950123, MeSH D030342.
Myasthenic syndrome, congenital, 22 (CMS22). Also called: PREPL DEFICIENCY. Identifiers: MedGen C4479088, MONDO:0044299, OMIM 616224.

Allele frequency attached by ClinVar (database versions not stated): TOPMed below 0.00001; ExAC 0.00001; gnomAD 0.00001; gnomAD exomes 0.00001; 1000 Genomes Project 30x 0.00016; 1000 Genomes Project 0.00020.
gnomAD v4.1: 8 of 1,612,996 alleles (0.0005%); highest among the groups gnomAD compares: African/African-American, 0.0093%; no homozygotes.

Submissions (2):

Ambry Genetics
Classification: Uncertain significance for Inborn genetic diseases. Last evaluated: 2023-03-27. Review status: criteria provided, single submitter. Criteria: Ambry Variant Classification Scheme 2023. Collection method: clinical testing. Allele origin: germline.

Labcorp Genetics (formerly Invitae), Labcorp
Classification: Uncertain significance for Myasthenic syndrome, congenital, 22. Last evaluated: 2022-04-28. Review status: criteria provided, single submitter. Criteria: Invitae Variant Classification Sherloc (09022015). Collection method: clinical testing. Allele origin: germline.
Comment: This sequence change replaces glutamine, which is neutral and polar, with arginine, which is basic and polar, at codon 80 of the PREPL protein (p.Gln80Arg). This variant is not present in population databases (gnomAD no frequency). This variant has not been reported in the literature in individuals affected with PREPL-related conditions. Algorithms developed to predict the effect of missense changes on protein structure and function (SIFT, PolyPhen-2, Align-GVGD) all suggest that this variant is likely to be tolerated. In summary, the available evidence is currently insufficient to determine the role of this variant in disease. Therefore, it has been classified as a Variant of Uncertain Significance.